The following is an entry in ClinVar:

NM_001035.3(RYR2):c.10315A>G (p.Met3439Val)

Gene: RYR2 (ryanodine receptor 2; plus strand). Cytogenetic location: 1q43.
Variant type: single nucleotide variant.
Coding change: c.10315A>G on transcript NM_001035.3 (MANE Select); coding-DNA position 10315, A replaced by G.
Protein change: p.Met3439Val; replaces methionine 3439 with valine.
Molecular consequence: missense variant.
Genome position (GRCh38, 1-based): chr1:237,711,829, A>G. VCF-style: chr1-237711829-A-G. GRCh37 (hg19) VCF-style: chr1-237875129-A-G.
Other names: short protein forms M3439V.
Identifiers: ClinVar variation 2996383 (VCV002996383.3), dbSNP rs2547427637, ClinGen allele CA345412786.

ClinVar aggregate classification (germline): Uncertain significance (1 of 4 stars; one submission).

Conditions:
Catecholaminergic polymorphic ventricular tachycardia 1. Also called: RYR2-Related Catecholaminergic Polymorphic Ventricular Tachycardia; VENTRICULAR TACHYCARDIA, STRESS-INDUCED POLYMORPHIC 1; VENTRICULAR TACHYCARDIA, CATECHOLAMINERGIC POLYMORPHIC, 1, WITH OR WITHOUT ATRIAL DYSFUNCTION AND/OR DILATED CARDIOMYOPATHY. Identifiers: Orphanet 3286, MedGen C1631597, MONDO:0011484, OMIM 604772.

Submission:

Labcorp Genetics (formerly Invitae), Labcorp
Classification: Uncertain significance for Catecholaminergic polymorphic ventricular tachycardia 1. Last evaluated: 2023-06-09. Review status: criteria provided, single submitter. Criteria: Invitae Variant Classification Sherloc (09022015). Collection method: clinical testing. Allele origin: germline.
Comment: This sequence change replaces methionine, which is neutral and non-polar, with valine, which is neutral and non-polar, at codon 3439 of the RYR2 protein (p.Met3439Val). This variant is not present in population databases (gnomAD no frequency). This variant has not been reported in the literature in individuals affected with RYR2-related conditions. Advanced modeling of protein sequence and biophysical properties (such as structural, functional, and spatial information, amino acid conservation, physicochemical variation, residue mobility, and thermodynamic stability) has been performed at Invitae for this missense variant, however the output from this modeling did not meet the statistical confidence thresholds required to predict the impact of this variant on RYR2 protein function. In summary, the available evidence is currently insufficient to determine the role of this variant in disease. Therefore, it has been classified as a Variant of Uncertain Significance.